The following is an entry in ClinVar:

NM_001167.4(XIAP):c.*1958G>A

Gene: XIAP (X-linked inhibitor of apoptosis; plus strand). Cytogenetic location: Xq25.
Variant type: single nucleotide variant.
Coding change: c.*1958G>A on transcript NM_001167.4 (MANE Select); 1958 bases downstream of the stop codon, G replaced by A.
Molecular consequence: 3 prime UTR variant. On other transcripts: non-coding transcript variant (2).
Genome position (GRCh38, 1-based): chrX:123,909,139, G>A. VCF-style: chrX-123909139-G-A. GRCh37 (hg19) VCF-style: chrX-123042989-G-A.
Other names: c.*1958G>A (NM_001204401.2, NM_001378590.1, NM_001378591.1 and 1 more transcripts).
Identifiers: ClinVar variation 367808 (VCV000367808.6), dbSNP rs41309540, ClinGen allele CA10508267.

ClinVar aggregate classification (germline): Benign. Review status: criteria provided, multiple submitters, no conflicts (2 of 4 stars). 2 submissions from 2 submitters: Benign (2). Last evaluated 2017-04-27.

Conditions:
X-linked lymphoproliferative disease due to XIAP deficiency. Also called: XIAP DEFICIENCY; XIAP-Related Lymphoproliferative Disease, X-Linked. Identifiers: Orphanet 2442, Orphanet 538934, MedGen C1845076, MONDO:0010385, OMIM 300635.

Allele frequency attached by ClinVar (database versions not stated): 1000 Genomes Project 0.02278; 1000 Genomes Project 30x 0.02373; TOPMed 0.03662; gnomAD exomes 0.03791; gnomAD 0.04864; ExAC 0.13115.
gnomAD v4.1: 13,508 of 269,243 alleles (5%); highest among the groups gnomAD compares: Non-Finnish European, 6.6%; 282 homozygotes.

Submissions (2):

Illumina Laboratory Services, Illumina
Classification: Benign for X-linked lymphoproliferative disease due to XIAP deficiency. Last evaluated: 2017-04-27. Review status: criteria provided, single submitter. Criteria: ICSL Variant Classification Criteria 13 December 2019. Collection method: clinical testing. Allele origin: germline.
Comment: This variant was observed as part of a predisposition screen in an ostensibly healthy population. A literature search was performed for the gene, cDNA change, and amino acid change (where applicable). No publications were found based on this search. Allele frequency data from public databases was too high to be consistent with this variant causing disease. Therefore, this variant is classified as benign.

Breakthrough Genomics
Classification: Benign. Review status: criteria provided, single submitter. Criteria: ACMG Guidelines, 2015. Collection method: not provided. Allele origin: germline. Inheritance: X-linked inheritance. Affected: yes.